The following is an entry in ClinVar:

NM_001364171.2(ODAD1):c.413C>T (p.Pro138Leu)

Gene: ODAD1 (outer dynein arm docking complex subunit 1; minus strand). Cytogenetic location: 19q13.33.
Variant type: single nucleotide variant.
Coding change: c.413C>T on transcript NM_001364171.2 (MANE Select); coding-DNA position 413, C replaced by T.
Protein change: p.Pro138Leu; replaces proline 138 with leucine.
Molecular consequence: missense variant.
Genome position (GRCh38, 1-based): chr19:48,312,064, G>A on the plus strand (C>T on the coding strand, the complement: ODAD1 is on the minus strand). VCF-style: chr19-48312064-G-A. GRCh37 (hg19) VCF-style: chr19-48815321-G-A.
Other names: c.302C>T, p.Pro101Leu (NM_144577.4); short protein forms P101L, P138L.
Identifiers: ClinVar variation 421242 (VCV000421242.12), dbSNP rs527907938, ClinGen allele CA16620869.

ClinVar aggregate classification (germline): Uncertain significance. Review status: criteria provided, multiple submitters, no conflicts (2 of 4 stars). 2 submissions from 2 submitters: Uncertain significance (2). Last evaluated 2022-11-22.

Conditions:
Primary ciliary dyskinesia. Also called: Ciliary dyskinesia. Identifiers: Orphanet 244, MedGen C0008780, MONDO:0016575, HP:0012265.

Allele frequency attached by ClinVar (database versions not stated): gnomAD 0.00001; gnomAD exomes 0.00002 and 0.00003; TOPMed 0.00002.

Submissions (2):

Labcorp Genetics (formerly Invitae), Labcorp
Classification: Uncertain significance for Primary ciliary dyskinesia. Last evaluated: 2022-11-22. Review status: criteria provided, single submitter. Criteria: Invitae Variant Classification Sherloc (09022015). Collection method: clinical testing. Allele origin: germline.
Comment: In summary, the available evidence is currently insufficient to determine the role of this variant in disease. Therefore, it has been classified as a Variant of Uncertain Significance. Algorithms developed to predict the effect of missense changes on protein structure and function (SIFT, PolyPhen-2, Align-GVGD) all suggest that this variant is likely to be tolerated. ClinVar contains an entry for this variant (Variation ID: 421242). This variant has not been reported in the literature in individuals affected with CCDC114-related conditions. This variant is present in population databases (rs527907938, gnomAD 0.01%). This sequence change replaces proline, which is neutral and non-polar, with leucine, which is neutral and non-polar, at codon 101 of the CCDC114 protein (p.Pro101Leu).

GeneDx
Classification: Uncertain significance. Last evaluated: 2016-05-16. Review status: criteria provided, single submitter. Criteria: GeneDx Variant Classification (06012015). Collection method: clinical testing. Allele origin: germline. Affected: yes.
Comment: The P101L variant in the CCDC114 gene has not been reported previously as a pathogenic variant, nor as a benign variant, to our knowledge. The P101L variant was not observed in approximately 2300 individuals of European and African American ancestry in the NHLBI Exome Sequencing Project, indicating it is not a common benign variant in these populations. The P101L variant is a semi-conservative amino acid substitution, which may impact secondary protein structure as these residues differ in some properties. However, this substitution occurs at a position that is not conserved across species, and in silico analysis predicts this variant likely does not alter the protein structure/function. We interpret P101L as a variant of uncertain significance.